The following is an entry in ClinVar:

ClinVar aggregate classification (germline): Uncertain significance (1 of 4 stars; one submission).

Conditions:
Dilated cardiomyopathy 1W (CMD1W). Identifiers: Orphanet 154, MedGen C1969639, MONDO:0012667, OMIM 611407.

gnomAD v4.1: 2 of 1,610,740 alleles (0.00012%); highest among the groups gnomAD compares: Non-Finnish European, 0.00017%; no homozygotes.

Submission:

Labcorp Genetics (formerly Invitae), Labcorp
Classification: Uncertain significance for Dilated cardiomyopathy 1W. Last evaluated: 2023-04-28. Review status: criteria provided, single submitter. Criteria: Invitae Variant Classification Sherloc (09022015). Collection method: clinical testing. Allele origin: germline.
Comment: This sequence change falls in intron 2 of the VCL gene. It does not directly change the encoded amino acid sequence of the VCL protein. It affects a nucleotide within the consensus splice site. This variant is not present in population databases (gnomAD no frequency). This variant has not been reported in the literature in individuals affected with VCL-related conditions. Variants that disrupt the consensus splice site are a relatively common cause of aberrant splicing (PMID: 17576681, 9536098). Algorithms developed to predict the effect of sequence changes on RNA splicing suggest that this variant is not likely to affect RNA splicing. In summary, the available evidence is currently insufficient to determine the role of this variant in disease. Therefore, it has been classified as a Variant of Uncertain Significance.

Literature cited by the submitters: PubMed 17576681; PubMed 9536098.

NM_014000.3(VCL):c.239+6T>C

Gene: VCL (vinculin; plus strand). Cytogenetic location: 10q22.2.
Variant type: single nucleotide variant.
Coding change: c.239+6T>C on transcript NM_014000.3 (MANE Select); 6 bases into the intron after coding-DNA position 239, T replaced by C.
Molecular consequence: intron variant.
Genome position (GRCh38, 1-based): chr10:74,043,159, T>C. VCF-style: chr10-74043159-T-C. GRCh37 (hg19) VCF-style: chr10-75802917-T-C.
Other names: c.239+6T>C (NM_003373.4).
Identifiers: ClinVar variation 2781431 (VCV002781431.3), dbSNP rs752335603, ClinGen allele CA2609715251.